The following is an entry in ClinVar:

ClinVar aggregate classification (germline): Likely benign (1 of 4 stars; one submission).

Conditions:
FMN2-related disorder. Also called: FMN2-related condition.

Submission:

PreventionGenetics, part of Exact Sciences
Classification: Likely benign for FMN2-related condition. Last evaluated: 2019-10-24. Review status: criteria provided, single submitter. Criteria: ACMG Guidelines, 2015. Collection method: clinical testing. Allele origin: germline.
Comment: This variant is classified as likely benign based on ACMG/AMP sequence variant interpretation guidelines (Richards et al. 2015 PMID: 25741868, with internal and published modifications).

NM_020066.5(FMN2):c.2857del (p.Ile953fs)

Gene: FMN2 (formin 2; plus strand). Cytogenetic location: 1q43.
Variant type: Deletion.
Coding change: c.2857del on transcript NM_020066.5 (MANE Select); coding-DNA position 2857, one base deleted (A; older notation c.2857delA).
Protein change: p.Ile953fs; shifts the reading frame from isoleucine 953.
Molecular consequence: frameshift variant. On other transcripts: intron variant (1).
Genome position (GRCh38, 1-based): chr1:240,207,669, A deleted; the last of 2 consecutive A bases (chr1:240,207,668-240,207,669); deleting either gives the same sequence. VCF-style (leftmost placement, unchanged base first): chr1-240207667-CA-C. GRCh37 (hg19) VCF-style: chr1-240370967-CA-C.
Other names: c.2869del, p.Ile957fs (NM_001305424.2); c.1986+19407del (NM_001348094.2); short protein forms I953fs, I957fs.
Identifiers: ClinVar variation 3041724 (VCV003041724.1), dbSNP rs771943201, ClinGen allele CA1476816.